The following is an entry in ClinVar:

NM_004530.6(MMP2):c.23G>A (p.Gly8Asp)

Gene: MMP2 (matrix metallopeptidase 2; plus strand). Cytogenetic location: 16q12.2.
Variant type: single nucleotide variant.
Coding change: c.23G>A on transcript NM_004530.6 (MANE Select); coding-DNA position 23, G replaced by A.
Protein change: p.Gly8Asp; replaces glycine 8 with aspartic acid.
Molecular consequence: missense variant. On other transcripts: intron variant (1).
Genome position (GRCh38, 1-based): chr16:55,479,502, G>A. VCF-style: chr16-55479502-G-A. GRCh37 (hg19) VCF-style: chr16-55513414-G-A.
Other names: c.-76+537G>A (NM_001302508.1); c.23G>A (NM_004530.4); short protein forms G8D.
Identifiers: ClinVar variation 2168908 (VCV002168908.4), dbSNP rs781581204, ClinGen allele CA281395155.

ClinVar aggregate classification (germline): Uncertain significance. Review status: criteria provided, multiple submitters, no conflicts (2 of 4 stars). 2 submissions from 2 submitters: Uncertain significance (2). Last evaluated 2024-10-12.

Conditions:
Inborn genetic diseases. Identifiers: MedGen C0950123, MeSH D030342.

Allele frequency attached by ClinVar (database versions not stated): gnomAD exomes 0.00001; TOPMed 0.00003; gnomAD 0.00004.
gnomAD v4.1: 19 of 1,591,754 alleles (0.0012%); highest among the groups gnomAD compares: Admixed American, 0.026%; no homozygotes.

Submissions (2):

Ambry Genetics
Classification: Uncertain significance for Inborn genetic diseases. Last evaluated: 2024-10-12. Review status: criteria provided, single submitter. Criteria: Ambry Variant Classification Scheme 2023. Collection method: clinical testing. Allele origin: germline.

Labcorp Genetics (formerly Invitae), Labcorp
Classification: Uncertain significance. Last evaluated: 2023-08-24. Review status: criteria provided, single submitter. Criteria: Invitae Variant Classification Sherloc (09022015). Collection method: clinical testing. Allele origin: germline.
Comment: An algorithm developed to predict the effect of missense changes on protein structure and function (PolyPhen-2) suggests that this variant¬†is likely to be tolerated. ClinVar contains an entry for this variant (Variation ID: 2168908). This variant has not been reported in the literature in individuals affected with MMP2-related conditions. The frequency data for this variant in the population databases is considered unreliable, as metrics indicate poor data quality at this position in the gnomAD database. This sequence change replaces glycine, which is neutral and non-polar, with aspartic acid, which is acidic and polar, at codon 8 of the MMP2 protein (p.Gly8Asp). In summary, the available evidence is currently insufficient to determine the role of this variant in disease. Therefore, it has been classified as a Variant of Uncertain Significance.